The following is an entry in ClinVar:

ClinVar aggregate classification (germline): Pathogenic (1 of 4 stars; one submission).

Conditions:
Propionic acidemia (PROP). Also called: GLYCINEMIA, KETOTIC; HYPERGLYCINEMIA WITH KETOACIDOSIS AND LEUKOPENIA; KETOTIC HYPERGLYCINEMIA. Identifiers: Orphanet 35, MedGen C0268579, MONDO:0011628, OMIM 606054, HP:0003571.

Submission:

Myriad Genetics, Inc.
Classification: Pathogenic for Propionic acidemia. Last evaluated: 2025-07-29. Review status: criteria provided, single submitter. Criteria: Myriad Autosomal Dominant, Autosomal Recessive and X-Linked Classification Criteria (2023). Collection method: clinical testing. Allele origin: unknown.
Comment: NM_000282.3(PCCA):c.871_872ins17(S291Wfs*37) is expected to be pathogenic in the context of PCCA-related propionic acidemia. This variant is predicted to lead to an abnormal or absent protein product due to the creation of a premature termination codon in PCCA, a gene where loss-of-function variants are known to be pathogenic. Please note: this variant was assessed in the context of healthy population screening.

NM_000282.4(PCCA):c.871_872insGGCCGGGCGCGGTGGCT (p.Ser291fs)

Gene: PCCA (propionyl-CoA carboxylase subunit alpha; plus strand). Cytogenetic location: 13q32.3.
Variant type: Insertion.
Coding change: c.871_872insGGCCGGGCGCGGTGGCT on transcript NM_000282.4 (MANE Select); coding-DNA positions 871 to 872, GGCCGGGCGCGGTGGCT inserted.
Protein change: p.Ser291fs; shifts the reading frame from serine 291.
Molecular consequence: frameshift variant. On other transcripts: 5 prime UTR variant (3), non-coding transcript variant (5).
Genome position: GRCh38 VCF-style: chr13-100268737-T-TGCTGGCCGGGCGCGGTG. GRCh37 (hg19) VCF-style: chr13-100920991-T-TGCTGGCCGGGCGCGGTG.
Other names: c.793_794insGGCCGGGCGCGGTGGCT, p.Ser265fs (NM_001127692.3, NM_001352607.2, NM_001352608.2); c.871_872insGGCCGGGCGCGGTGGCT, p.Ser291fs (NM_001178004.2, NM_001352605.2, NM_001352606.2 and 1 more transcripts); c.-75_-74insGGCCGGGCGCGGTGGCT (NM_001352610.2, NM_001352611.2, NM_001352612.2); short protein forms S265fs, S291fs.
Identifiers: ClinVar variation 5014786 (VCV005014786.1).